The following is an entry in ClinVar:

NM_020366.4(RPGRIP1):c.337C>G (p.Leu113Val)

Gene: RPGRIP1 (RPGR interacting protein 1; plus strand). Cytogenetic location: 14q11.2.
Variant type: single nucleotide variant.
Coding change: c.337C>G on transcript NM_020366.4 (MANE Select); coding-DNA position 337, C replaced by G.
Protein change: p.Leu113Val; replaces leucine 113 with valine.
Molecular consequence: missense variant.
Genome position (GRCh38, 1-based): chr14:21,301,084, C>G. VCF-style: chr14-21301084-C-G. GRCh37 (hg19) VCF-style: chr14-21769243-C-G.
Other names: short protein forms L113V.
Identifiers: ClinVar variation 2500161 (VCV002500161.1), dbSNP rs1429217156, ClinGen allele CA388858839.

ClinVar aggregate classification (germline): Uncertain significance (1 of 4 stars; one submission).

Conditions:
Bardet-Biedl syndrome (BBS). Identifiers: Orphanet 110, MedGen C0752166, MONDO:0015229.

Allele frequency attached by ClinVar (database versions not stated): TOPMed below 0.00001; gnomAD 0.00001.
gnomAD v4.1: 1 of 1,612,512 alleles (0.000062%); highest among the groups gnomAD compares: Non-Finnish European, 0.000085%; no homozygotes.

Submission:

SN ONGC Dept of Genetics and Molecular biology Vision Research Foundation
Classification: Uncertain significance for Bardet-Biedl syndrome. Review status: criteria provided, single submitter. Criteria: ACMG Guidelines, 2015. Collection method: research. Allele origin: unknown. Affected: yes. Observed: 1 heterozygote.
Comment: This variant was observed in digenic inheritance with the variant NC_000022.10:g.37159996C>T.